The following is an entry in ClinVar:

ClinVar aggregate classification (germline): Likely pathogenic. Review status: criteria provided, multiple submitters, no conflicts (2 of 4 stars). 2 submissions from 2 submitters: Likely pathogenic (2). Last evaluated 2024-03-27.

Conditions:
Fraser syndrome 3. Identifiers: MedGen C4540040, MONDO:0054739, OMIM 617667.

Submissions (2):

Fulgent Genetics
Classification: Likely pathogenic for Fraser syndrome 3. Last evaluated: 2024-03-27. Review status: criteria provided, single submitter. Criteria: ACMG Guidelines, 2015. Collection method: clinical testing. Allele origin: germline.

Labcorp Genetics (formerly Invitae), Labcorp
Classification: Likely pathogenic. Last evaluated: 2023-04-24. Review status: criteria provided, single submitter. Criteria: Invitae Variant Classification Sherloc (09022015). Collection method: clinical testing. Allele origin: germline.
Comment: In summary, the currently available evidence indicates that the variant is pathogenic, but additional data are needed to prove that conclusively. Therefore, this variant has been classified as Likely Pathogenic. Algorithms developed to predict the effect of sequence changes on RNA splicing suggest that this variant may disrupt the consensus splice site. This variant has not been reported in the literature in individuals affected with GRIP1-related conditions. This variant is present in population databases (no rsID available, gnomAD 0.003%). This sequence change affects a splice site in intron 9 of the GRIP1 gene. It is expected to disrupt RNA splicing. Variants that disrupt the donor or acceptor splice site typically lead to a loss of protein function (PMID: 16199547), and loss-of-function variants in GRIP1 are known to be pathogenic (PMID: 22510445, 24357607).

Literature cited by the submitters: PubMed 16199547 (cited by Labcorp Genetics (formerly Invitae), Labcorp); PubMed 22510445 (cited by Labcorp Genetics (formerly Invitae), Labcorp); PubMed 24357607 (cited by Labcorp Genetics (formerly Invitae), Labcorp).

NM_001366722.1(GRIP1):c.1199-2del

Gene: GRIP1 (glutamate receptor interacting protein 1; minus strand). Cytogenetic location: 12q14.3.
Variant type: Deletion.
Coding change: c.1199-2del on transcript NM_001366722.1 (MANE Select); the canonical splice acceptor site of the intron before coding-DNA position 1199, one base deleted (A; older notation c.1199-2delA).
Molecular consequence: splice acceptor variant. On other transcripts: intron variant (3).
Genome position (GRCh38, 1-based): chr12:66,455,566, T deleted on the plus strand (A on the coding strand, the reverse complement: GRIP1 is on the minus strand). VCF-style (leftmost placement, unchanged base first): chr12-66455565-CT-C. GRCh37 (hg19) VCF-style: chr12-66849345-CT-C.
Other names: c.1046-5del (NM_001379351.1); c.1046-2del (NM_001379349.1); c.1121-5del (NM_001379348.1, NM_001366723.1); c.1121-2del (NM_001379347.1, NM_001366724.1); c.1277-2del (NM_001379345.1); c.1043-2del (NM_001178074.2, NM_021150.4); c.1199-2del (NM_001379346.1).
Identifiers: ClinVar variation 2802784 (VCV002802784.4), dbSNP rs1565756770, ClinGen allele CA605709027.